The following is an entry in ClinVar:

NM_032043.3(BRIP1):c.432A>T (p.Ala144=)

Gene: BRIP1 (BRCA1 interacting DNA helicase 1; minus strand). Cytogenetic location: 17q23.2.
Variant type: single nucleotide variant.
Coding change: c.432A>T on transcript NM_032043.3 (MANE Select); coding-DNA position 432, A replaced by T.
Protein change: p.Ala144=; no amino-acid change (alanine 144 retained).
Molecular consequence: synonymous variant.
Genome position (GRCh38, 1-based): chr17:61,849,204, T>A on the plus strand (A>T on the coding strand, the complement: BRIP1 is on the minus strand). VCF-style: chr17-61849204-T-A. GRCh37 (hg19) VCF-style: chr17-59926565-T-A.
Identifiers: ClinVar variation 479412 (VCV000479412.21), dbSNP rs1342776835, ClinGen allele CA501150904.

ClinVar aggregate classification (germline): Benign/Likely benign. Review status: criteria provided, multiple submitters, no conflicts (2 of 4 stars). 5 submissions from 5 submitters: Benign (1); Likely benign (4). Last evaluated 2025-09-15.

Conditions:
Fanconi anemia complementation group J. Also called: BRIP1-Related Fanconi Anemia. Identifiers: Orphanet 84, MedGen C1836860, MONDO:0012187, OMIM 609054.
Familial cancer of breast. Also called: BREAST CANCER, FAMILIAL; Hereditary breast cancer; hereditary breast carcinoma. Identifiers: Orphanet 227535, MedGen C0346153, MONDO:0016419, OMIM 114480. Disease mechanism: loss of function.
Hereditary cancer-predisposing syndrome. Also called: Tumor predisposition; Neoplastic Syndromes, Hereditary; Hereditary Cancer Syndrome; Hereditary neoplastic syndrome. Identifiers: Orphanet 140162, MedGen C0027672, MeSH D009386, MONDO:0015356.

Allele frequency attached by ClinVar (database versions not stated): gnomAD exomes below 0.00001.
gnomAD v4.1: 2 of 1,612,966 alleles (0.00012%); highest among the groups gnomAD compares: Non-Finnish European, 0.00017%; no homozygotes.

Submissions (5):

Labcorp Genetics (formerly Invitae), Labcorp
Classification: Likely benign for Familial cancer of breast; Fanconi anemia complementation group J. Last evaluated: 2025-09-15. Review status: criteria provided, single submitter. Criteria: Invitae Variant Classification Sherloc (09022015). Collection method: clinical testing. Allele origin: germline.

Myriad Genetics, Inc.
Classification: Benign for Familial cancer of breast. Last evaluated: 2024-08-21. Review status: criteria provided, single submitter. Criteria: Myriad Autosomal Dominant, Autosomal Recessive and X-Linked Classification Criteria (2023). Collection method: clinical testing. Allele origin: unknown.
Comment: This variant is considered benign. This variant is a silent/synonymous amino acid change and it is not expected to impact splicing.

Quest Diagnostics Nichols Institute San Juan Capistrano
Classification: Likely benign. Last evaluated: 2021-03-31. Review status: criteria provided, single submitter. Criteria: Quest Diagnostics criteria. Collection method: clinical testing. Allele origin: unknown.

Color Diagnostics, LLC DBA Color Health
Classification: Likely benign for Hereditary cancer-predisposing syndrome. Last evaluated: 2019-12-10. Review status: criteria provided, single submitter. Criteria: ACMG Guidelines, 2015. Collection method: clinical testing. Allele origin: germline.

Ambry Genetics
Classification: Likely benign for Hereditary cancer-predisposing syndrome. Last evaluated: 2016-08-12. Review status: criteria provided, single submitter. Criteria: Ambry Variant Classification Scheme 2023. Collection method: clinical testing. Allele origin: germline.